The following is an entry in ClinVar:

NM_000548.5(TSC2):c.3732C>T (p.His1244=)

Gene: TSC2 (TSC complex subunit 2; plus strand). Cytogenetic location: 16p13.3.
Variant type: single nucleotide variant.
Coding change: c.3732C>T on transcript NM_000548.5 (MANE Select); coding-DNA position 3732, C replaced by T.
Protein change: p.His1244=; no amino-acid change (histidine 1244 retained).
Molecular consequence: synonymous variant.
Genome position (GRCh38, 1-based): chr16:2,081,716, C>T. VCF-style: chr16-2081716-C-T. GRCh37 (hg19) VCF-style: chr16-2131717-C-T.
Other names: c.3600C>T, p.His1200= (NM_001077183.3, NM_001370404.1); c.3732C>T, p.His1244= (NM_001114382.3); c.3492C>T, p.His1164= (NM_001318827.2); c.3456C>T, p.His1152= (NM_001318829.2); c.3000C>T, p.His1000= (NM_001318831.2); c.3633C>T, p.His1211= (NM_001318832.2); c.3603C>T, p.His1201= (NM_001363528.2, NM_001370405.1, NM_021055.3).
Identifiers: ClinVar variation 468035 (VCV000468035.15), dbSNP rs1264194267, ClinGen allele CA493043152.
Genomic context (GRCh38, chr16:2,081,716, plus strand): 5'-CAACATGCCCCTGCAGGAGCTGTCTAACGCCCTCATGGCGGCTGAGCGCTTCAAGGAGCA[C>T]CGGGACACAGCCCTGTACAAGTCACTGTCGGTGCCGGCAGCCAGCACGGCCAAACCCCCT-3'
Protein context (NP_000539.2, residues 1234-1254): ALMAAERFKE[His1244=]RDTALYKSLS

ClinVar aggregate classification (germline): Benign/Likely benign. Review status: criteria provided, multiple submitters, no conflicts (2 of 4 stars). 4 submissions from 4 submitters: Benign (1); Likely benign (3). Last evaluated 2025-11-02.

Conditions:
Hereditary cancer-predisposing syndrome. Also called: Hereditary neoplastic syndrome; Neoplastic Syndromes, Hereditary; Tumor predisposition; Hereditary Cancer Syndrome. Identifiers: Orphanet 140162, MedGen C0027672, MeSH D009386, MONDO:0015356.
Tuberous sclerosis 2 (TSC2). Identifiers: Orphanet 805, MedGen C1860707, MONDO:0013199, OMIM 613254.
Isolated focal cortical dysplasia type II (FCORD2). Also called: CORTICAL DYSPLASIA OF TAYLOR; Focal cortical dysplasia type II. Identifiers: Orphanet 268994, MedGen C1846385, MONDO:0011818, OMIM 607341, HP:0032051.
Lymphangiomyomatosis (LAM). Also called: Lymphangioleiomyomatosis; Lymphangioleiomyomatosis, somatic. Identifiers: Orphanet 538, MedGen C0751674, MONDO:0011705, OMIM 606690.

Allele frequency attached by ClinVar (database versions not stated): gnomAD exomes below 0.00001 and 0.00001.
gnomAD v4.1: 5 of 1,612,984 alleles (0.00031%); highest among the groups gnomAD compares: Admixed American, 0.005%; no homozygotes.

Submissions (4):

Labcorp Genetics (formerly Invitae), Labcorp
Classification: Likely benign for Tuberous sclerosis 2. Last evaluated: 2025-11-02. Review status: criteria provided, single submitter. Criteria: Invitae Variant Classification Sherloc (09022015). Collection method: clinical testing. Allele origin: germline.

Myriad Genetics, Inc.
Classification: Benign for Tuberous sclerosis 2. Last evaluated: 2025-05-30. Review status: criteria provided, single submitter. Criteria: Myriad Autosomal Dominant, Autosomal Recessive and X-Linked Classification Criteria (2023). Collection method: clinical testing. Allele origin: unknown.
Comment: This variant is considered benign. This variant is a silent/synonymous amino acid change and it is not expected to impact splicing.

Fulgent Genetics
Classification: Likely benign for Lymphangiomyomatosis; Isolated focal cortical dysplasia type II; Tuberous sclerosis 2. Last evaluated: 2021-12-09. Review status: criteria provided, single submitter. Criteria: ACMG Guidelines, 2015. Collection method: clinical testing. Allele origin: unknown.

Ambry Genetics
Classification: Likely benign for Hereditary cancer-predisposing syndrome. Last evaluated: 2020-10-06. Review status: criteria provided, single submitter. Criteria: Ambry Variant Classification Scheme 2023. Collection method: clinical testing. Allele origin: germline.